The following is an entry in ClinVar:

NM_000158.4(GBE1):c.534G>C (p.Trp178Cys)

Gene: GBE1 (1,4-alpha-glucan branching enzyme 1; minus strand). Cytogenetic location: 3p12.2.
Variant type: single nucleotide variant.
Coding change: c.534G>C on transcript NM_000158.4 (MANE Select); coding-DNA position 534, G replaced by C.
Protein change: p.Trp178Cys; replaces tryptophan 178 with cysteine.
Molecular consequence: missense variant.
Genome position (GRCh38, 1-based): chr3:81,649,817, C>G on the plus strand (G>C on the coding strand, the complement: GBE1 is on the minus strand). VCF-style: chr3-81649817-C-G. GRCh37 (hg19) VCF-style: chr3-81698968-C-G.
Other names: short protein forms W178C.
Identifiers: ClinVar variation 2152670 (VCV002152670.1), dbSNP rs764293419, ClinGen allele CA2499943.

ClinVar aggregate classification (germline): Uncertain significance (1 of 4 stars; one submission).

Conditions:
Glycogen storage disease IV, classic hepatic. Also called: GSD IV, CLASSIC HEPATIC. Identifiers: MedGen C1856301.
Glycogen storage disease, type IV (GSD4). Also called: Glycogen storage disease due to glycogen branching enzyme deficiency; AMYLOPECTINOSIS; ANDERSEN DISEASE; BRANCHER DEFICIENCY; CIRRHOSIS, FAMILIAL, WITH DEPOSITION OF ABNORMAL GLYCOGEN; GBE1 DEFICIENCY. Identifiers: Orphanet 367, MedGen C0017923, MONDO:0009292, OMIM 232500.

Allele frequency attached by ClinVar (database versions not stated): gnomAD exomes 0.00001; gnomAD 0.00002; ExAC 0.00001.
gnomAD v4.1: 6 of 1,608,918 alleles (0.00037%); highest among the groups gnomAD compares: Admixed American, 0.01%; no homozygotes.

Submission:

Labcorp Genetics (formerly Invitae), Labcorp
Classification: Uncertain significance for Glycogen storage disease, type IV; Glycogen storage disease IV, classic hepatic. Last evaluated: 2022-07-06. Review status: criteria provided, single submitter. Criteria: Invitae Variant Classification Sherloc (09022015). Collection method: clinical testing. Allele origin: germline.
Comment: This sequence change replaces tryptophan, which is neutral and slightly polar, with cysteine, which is neutral and slightly polar, at codon 178 of the GBE1 protein (p.Trp178Cys). This variant is present in population databases (rs764293419, gnomAD 0.01%). This variant has not been reported in the literature in individuals affected with GBE1-related conditions. Algorithms developed to predict the effect of missense changes on protein structure and function are either unavailable or do not agree on the potential impact of this missense change (SIFT: "Not Available"; PolyPhen-2: "Probably Damaging"; Align-GVGD: "Not Available"). In summary, the available evidence is currently insufficient to determine the role of this variant in disease. Therefore, it has been classified as a Variant of Uncertain Significance.